The following is an entry in ClinVar:

NM_007126.5(VCP):c.524T>C (p.Ile175Thr)

Gene: VCP (valosin containing protein; minus strand). Cytogenetic location: 9p13.3.
Variant type: single nucleotide variant.
Coding change: c.524T>C on transcript NM_007126.5 (MANE Select); coding-DNA position 524, T replaced by C.
Protein change: p.Ile175Thr; replaces isoleucine 175 with threonine.
Molecular consequence: missense variant.
Genome position (GRCh38, 1-based): chr9:35,065,303, A>G on the plus strand (T>C on the coding strand, the complement: VCP is on the minus strand). VCF-style: chr9-35065303-A-G. GRCh37 (hg19) VCF-style: chr9-35065300-A-G.
Other names: c.389T>C, p.Ile130Thr (NM_001354927.2, NM_001354928.2); short protein forms I130T, I175T.
Identifiers: ClinVar variation 3346248 (VCV003346248.1).

ClinVar aggregate classification (germline): Uncertain significance (0 of 4 stars; one submission).

Conditions:
VCP-related disorder. Also called: VCP-related condition; VCP-related disorders.

Submission:

PreventionGenetics, part of Exact Sciences
Classification: Uncertain significance for VCP-related condition. Last evaluated: 2024-09-28. Review status: no assertion criteria provided. Collection method: clinical testing. Allele origin: germline.
Comment: The VCP c.524T>C variant is predicted to result in the amino acid substitution p.Ile175Thr. To our knowledge, this variant has not been reported in the literature or in a large population database, indicating this variant is rare. At this time, the clinical significance of this variant is uncertain due to the absence of conclusive functional and genetic evidence.